The following is an entry in ClinVar:

NM_002894.3(RBBP8):c.1687C>G (p.Pro563Ala)

Gene: RBBP8 (RB binding protein 8, endonuclease; plus strand). Cytogenetic location: 18q11.2.
Variant type: single nucleotide variant.
Coding change: c.1687C>G on transcript NM_002894.3 (MANE Select); coding-DNA position 1687, C replaced by G.
Protein change: p.Pro563Ala; replaces proline 563 with alanine.
Molecular consequence: missense variant.
Genome position (GRCh38, 1-based): chr18:22,993,514, C>G. VCF-style: chr18-22993514-C-G. GRCh37 (hg19) VCF-style: chr18-20573477-C-G.
Other names: c.1687C>G, p.Pro563Ala (NM_203291.2, NM_203292.2); c.1687C>G (NM_002894.2); short protein forms P563A.
Identifiers: ClinVar variation 1981083 (VCV001981083.5), dbSNP rs374549949, ClinGen allele CA401778859.
Genomic context (GRCh38, chr18:22,993,514, plus strand): 5'-TGCACGTTGCCCAAAGATTCCCCAGGGGAGCCCTGTTCACAGGAATGCATCATCCTTCAG[C>G]CCTTGAATAAATGCTCTCCAGACAATAAACCATCATTACAAATAAAAGAAGAAAATGCTG-3'
Protein context (NP_002885.1, residues 553-573): PCSQECIILQ[Pro563Ala]LNKCSPDNKP

ClinVar aggregate classification (germline): Uncertain significance. Review status: criteria provided, multiple submitters, no conflicts (2 of 4 stars). 2 submissions from 2 submitters: Uncertain significance (2). Last evaluated 2025-11-03.

Conditions:
Inborn genetic diseases. Identifiers: MedGen C0950123, MeSH D030342.

Allele frequency attached by ClinVar (database versions not stated): TOPMed 0.00001; gnomAD exomes 0.00002.
gnomAD v4.1: 26 of 1,613,492 alleles (0.0016%); highest among the groups gnomAD compares: Non-Finnish European, 0.0022%; no homozygotes.

Submissions (2):

Ambry Genetics
Classification: Uncertain significance for Inborn genetic diseases. Last evaluated: 2025-11-03. Review status: criteria provided, single submitter. Criteria: Ambry Variant Classification Scheme 2023. Collection method: clinical testing. Allele origin: germline.

Labcorp Genetics (formerly Invitae), Labcorp
Classification: Uncertain significance. Last evaluated: 2023-08-24. Review status: criteria provided, single submitter. Criteria: Invitae Variant Classification Sherloc (09022015). Collection method: clinical testing. Allele origin: germline.
Comment: This variant has not been reported in the literature in individuals affected with RBBP8-related conditions. This variant is not present in population databases (gnomAD no frequency). This sequence change replaces proline, which is neutral and non-polar, with alanine, which is neutral and non-polar, at codon 563 of the RBBP8 protein (p.Pro563Ala). ClinVar contains an entry for this variant (Variation ID: 1981083). In summary, the available evidence is currently insufficient to determine the role of this variant in disease. Therefore, it has been classified as a Variant of Uncertain Significance. Advanced modeling of protein sequence and biophysical properties (such as structural, functional, and spatial information, amino acid conservation, physicochemical variation, residue mobility, and thermodynamic stability) performed at Invitae indicates that this missense variant is not expected to disrupt RBBP8 protein function.